The following is an entry in ClinVar:

ClinVar aggregate classification (germline): Uncertain significance (1 of 4 stars; one submission).

Submission:

GeneDx
Classification: Uncertain significance. Last evaluated: 2026-06-03. Review status: criteria provided, single submitter. Criteria: GeneDx Variant Classification Process June 2021. Collection method: clinical testing. Allele origin: germline.
Comment: Not observed at significant frequency in large population cohorts (gnomAD); In silico analysis supports that this missense variant has a deleterious effect on protein structure/function; Has not been previously published as pathogenic or benign to our knowledge

NM_012281.3(KCND2):c.1084T>C (p.Trp362Arg)

Gene: KCND2 (potassium voltage-gated channel subfamily D member 2; plus strand). Cytogenetic location: 7q31.31.
Variant type: single nucleotide variant.
Coding change: c.1084T>C on transcript NM_012281.3 (MANE Select); coding-DNA position 1084, T replaced by C.
Protein change: p.Trp362Arg; replaces tryptophan 362 with arginine.
Molecular consequence: missense variant.
Genome position (GRCh38, 1-based): chr7:120,275,716, T>C. VCF-style: chr7-120275716-T-C. GRCh37 (hg19) VCF-style: chr7-119915770-T-C.
Other names: short protein forms W362R.
Identifiers: ClinVar variation 4681164 (VCV004681164.2).